The following is an entry in ClinVar:

ClinVar aggregate classification (germline): Pathogenic. Review status: criteria provided, single submitter (1 of 4 stars). 2 submissions from 2 submitters: Pathogenic (1). 1 of the submissions does not count toward it. Last evaluated 2022-12-20.

Conditions:
Niemann-Pick disease, type C1. Also called: NEUROVISCERAL STORAGE DISEASE WITH VERTICAL SUPRANUCLEAR OPHTHALMOPLEGIA; NIEMANN-PICK DISEASE WITH CHOLESTEROL ESTERIFICATION BLOCK; NIEMANN-PICK DISEASE WITHOUT SPHINGOMYELINASE DEFICIENCY; NIEMANN-PICK DISEASE, CHRONIC NEURONOPATHIC FORM; NIEMANN-PICK DISEASE, VARIANT TYPE C1. Identifiers: Orphanet 646, MedGen C3179455, MONDO:0009757, OMIM 257220.

Submissions (2):

Institute of Human Genetics, University of Leipzig Medical Center
Classification: Pathogenic for Niemann-Pick disease, type C1. Last evaluated: 2022-12-20. Review status: criteria provided, single submitter. Criteria: ACMG Guidelines, 2015. Collection method: clinical testing. Allele origin: unknown. Affected: yes.
Comment: _x000D_ Criteria applied: PVS1, PM3, PM2_SUP

Counsyl
Classification: Likely pathogenic for Niemann-Pick disease, type C1. Last evaluated: 2017-04-17. Review status: no assertion criteria provided. Collection method: clinical testing. Allele origin: unknown. Not counted in ClinVar's aggregate classification.

NM_000271.5(NPC1):c.3591+2T>C

Gene: NPC1 (NPC intracellular cholesterol transporter 1; minus strand). Cytogenetic location: 18q11.2.
Variant type: single nucleotide variant.
Coding change: c.3591+2T>C on transcript NM_000271.5 (MANE Select); the canonical splice donor site of the intron after coding-DNA position 3591, T replaced by C.
Molecular consequence: splice donor variant.
Genome position (GRCh38, 1-based): chr18:23,534,444, A>G on the plus strand (T>C on the coding strand, the complement: NPC1 is on the minus strand). VCF-style: chr18-23534444-A-G. GRCh37 (hg19) VCF-style: chr18-21114408-A-G.
Identifiers: ClinVar variation 551545 (VCV000551545.3), dbSNP rs1555631888, ClinGen allele CA401790856.
Genomic context (GRCh38, chr18:23,534,444, plus strand): 5'-TCACTGAGGAGGATTACTTTGTGGTGCGACTCTGCCGGCGTGGCCCTGCTCAGGGTACTC[A>G]CGGAGCTGCCCATGTGGGCAAGTGCCTCTTCCGCGCGCTCCACGCGGCTGCCTTTCATGC-3'